The following is an entry in ClinVar:

NM_033305.3(VPS13A):c.8115dup (p.Val2706fs)

Gene: VPS13A (vacuolar protein sorting 13 homolog A; plus strand). Cytogenetic location: 9q21.2.
Variant type: Duplication.
Coding change: c.8115dup on transcript NM_033305.3 (MANE Select); coding-DNA position 8115, one base duplicated (A; older notation c.8115dupA).
Protein change: p.Val2706fs; shifts the reading frame from valine 2706.
Molecular consequence: frameshift variant.
Genome position (GRCh38, 1-based): chr9:77,360,545, A duplicated; the last of 3 consecutive A bases (chr9:77,360,543-77,360,545); duplicating any one gives the same sequence. VCF-style (leftmost placement, unchanged base first): chr9-77360542-C-CA. GRCh37 (hg19) VCF-style: chr9-79975458-C-CA.
Other names: c.7998dup, p.Val2667fs (NM_001018037.2); c.8115dup, p.Val2706fs (NM_001018038.3, NM_015186.4); short protein forms V2667fs, V2706fs.
Identifiers: ClinVar variation 2747144 (VCV002747144.3), dbSNP rs2538161782, ClinGen allele CA2697557833.

ClinVar aggregate classification (germline): Pathogenic (1 of 4 stars; one submission).

Submission:

Labcorp Genetics (formerly Invitae), Labcorp
Classification: Pathogenic. Last evaluated: 2023-07-26. Review status: criteria provided, single submitter. Criteria: Invitae Variant Classification Sherloc (09022015). Collection method: clinical testing. Allele origin: germline.
Comment: For these reasons, this variant has been classified as Pathogenic. This variant has not been reported in the literature in individuals affected with VPS13A-related conditions. This variant is not present in population databases (gnomAD no frequency). This sequence change creates a premature translational stop signal (p.Val2706Serfs*26) in the VPS13A gene. It is expected to result in an absent or disrupted protein product. Loss-of-function variants in VPS13A are known to be pathogenic (PMID: 12404112, 21598378).

Literature cited by the submitters: PubMed 12404112; PubMed 21598378.